The following is an entry in ClinVar:

ClinVar aggregate classification (germline): Uncertain significance. Review status: criteria provided, multiple submitters, no conflicts (2 of 4 stars). 2 submissions from 2 submitters: Uncertain significance (2). Last evaluated 2024-12-16.

Conditions:
Psoriasis 2. Identifiers: MedGen C1864497, MONDO:0011269, OMIM 602723.
Pityriasis rubra pilaris (PRP). Also called: Pityriasis rubra pilaris--familial type. Identifiers: Orphanet 2897, MedGen C0032027, MONDO:0100017, OMIM 173200, MONDO:0008251.

Allele frequency attached by ClinVar (database versions not stated): TOPMed below 0.00001; gnomAD 0.00001; gnomAD exomes 0.00002 and 0.00003; ExAC 0.00003.
gnomAD v4.1: 49 of 1,614,046 alleles (0.003%); highest among the groups gnomAD compares: East Asian, 0.11%; no homozygotes.

Submissions (2):

Labcorp Genetics (formerly Invitae), Labcorp
Classification: Uncertain significance for Pityriasis rubra pilaris; Psoriasis 2. Last evaluated: 2024-12-16. Review status: criteria provided, single submitter. Criteria: Invitae Variant Classification Sherloc (09022015). Collection method: clinical testing. Allele origin: germline.
Comment: This sequence change replaces threonine, which is neutral and polar, with isoleucine, which is neutral and non-polar, at codon 79 of the CARD14 protein (p.Thr79Ile). This variant is present in population databases (rs760384971, gnomAD 0.03%). This missense change has been observed in individual(s) with impetigo herpetiformis (PMID: 31971270). ClinVar contains an entry for this variant (Variation ID: 645768). Invitae Evidence Modeling of protein sequence and biophysical properties (such as structural, functional, and spatial information, amino acid conservation, physicochemical variation, residue mobility, and thermodynamic stability) indicates that this missense variant is not expected to disrupt CARD14 protein function with a negative predictive value of 95%. Experimental studies have shown that this missense change affects CARD14 function (PMID: 31971270). In summary, the available evidence is currently insufficient to determine the role of this variant in disease. Therefore, it has been classified as a Variant of Uncertain Significance.

Department of Pathology and Laboratory Medicine, Sinai Health System
Classification: Uncertain significance for psoriasis 2. Last evaluated: 2022-05-04. Review status: criteria provided, single submitter. Criteria: ACMG Guidelines, 2015. Collection method: research. Allele origin: germline.

Literature cited by the submitters: PubMed 31971270 (cited by Labcorp Genetics (formerly Invitae), Labcorp).

NM_001366385.1(CARD14):c.236C>T (p.Thr79Ile)

Gene: CARD14 (caspase recruitment domain family member 14; plus strand). Cytogenetic location: 17q25.3.
Variant type: single nucleotide variant.
Coding change: c.236C>T on transcript NM_001366385.1 (MANE Select); coding-DNA position 236, C replaced by T.
Protein change: p.Thr79Ile; replaces threonine 79 with isoleucine.
Molecular consequence: missense variant. On other transcripts: non-coding transcript variant (1).
Genome position (GRCh38, 1-based): chr17:80,182,677, C>T. VCF-style: chr17-80182677-C-T. GRCh37 (hg19) VCF-style: chr17-78156476-C-T.
Other names: c.236C>T, p.Thr79Ile (NM_001257970.1, NM_024110.4); short protein forms T79I.
Identifiers: ClinVar variation 645768 (VCV000645768.8), dbSNP rs760384971, ClinGen allele CA8816370.